The following is an entry in ClinVar:

ClinVar aggregate classification (germline): Conflicting classifications of pathogenicity. Review status: criteria provided, conflicting classifications (1 of 4 stars). 4 submissions from 3 submitters: Uncertain significance (3); Likely benign (1). Last evaluated 2025-05-19.

Conditions:
Hereditary cancer-predisposing syndrome. Also called: Neoplastic Syndromes, Hereditary; Tumor predisposition; Hereditary neoplastic syndrome; Hereditary Cancer Syndrome. Identifiers: Orphanet 140162, MedGen C0027672, MeSH D009386, MONDO:0015356.
Acrodysostosis 1 with or without hormone resistance (ACRDYS1). Also called: ACRODYSOSTOSIS 1 WITH HORMONE RESISTANCE; ACRODYSOSTOSIS 1 WITHOUT HORMONE RESISTANCE; ACRODYSOSTOSIS WITH HORMONE RESISTANCE. Identifiers: Orphanet 280651, MedGen C3276228, MONDO:0007044, OMIM 101800.
Carney complex, type 1 (CNC1). Also called: CARNEY MYXOMA-ENDOCRINE COMPLEX; CARNEY COMPLEX, TYPE I. Identifiers: Orphanet 1359, MedGen C2607929, MONDO:0008057, OMIM 160980.

gnomAD v4.1: 3 of 1,613,824 alleles (0.00019%); highest among the groups gnomAD compares: Non-Finnish European, 0.00025%; no homozygotes.

Submissions (4):

Ambry Genetics
Classification: Likely benign for Hereditary cancer-predisposing syndrome. Last evaluated: 2025-05-19. Review status: criteria provided, single submitter. Criteria: Ambry Variant Classification Scheme 2023. Collection method: clinical testing. Allele origin: germline.

Labcorp Genetics (formerly Invitae), Labcorp
Classification: Uncertain significance for Carney complex, type 1. Last evaluated: 2024-03-18. Review status: criteria provided, single submitter. Criteria: Invitae Variant Classification Sherloc (09022015). Collection method: clinical testing. Allele origin: germline.
Comment: This sequence change replaces alanine, which is neutral and non-polar, with threonine, which is neutral and polar, at codon 111 of the PRKAR1A protein (p.Ala111Thr). This variant is not present in population databases (gnomAD no frequency). This variant has not been reported in the literature in individuals affected with PRKAR1A-related conditions. ClinVar contains an entry for this variant (Variation ID: 579659). Advanced modeling of protein sequence and biophysical properties (such as structural, functional, and spatial information, amino acid conservation, physicochemical variation, residue mobility, and thermodynamic stability) performed at Invitae indicates that this missense variant is not expected to disrupt PRKAR1A protein function with a negative predictive value of 80%. In summary, the available evidence is currently insufficient to determine the role of this variant in disease. Therefore, it has been classified as a Variant of Uncertain Significance.

Illumina Laboratory Services, Illumina
Classification: Uncertain significance for Acrodysostosis 1 with or without hormone resistance. Last evaluated: 2018-01-13. Review status: criteria provided, single submitter. Criteria: ICSL Variant Classification Criteria 13 December 2019. Collection method: clinical testing. Allele origin: germline.

Illumina Laboratory Services, Illumina
Classification: Uncertain significance for Carney complex, type 1. Last evaluated: 2018-01-13. Review status: criteria provided, single submitter. Criteria: ICSL Variant Classification Criteria 13 December 2019. Collection method: clinical testing. Allele origin: germline.

NM_002734.5(PRKAR1A):c.331G>A (p.Ala111Thr)

Gene: PRKAR1A (protein kinase cAMP-dependent type I regulatory subunit alpha; plus strand). Cytogenetic location: 17q24.2.
Variant type: single nucleotide variant.
Coding change: c.331G>A on transcript NM_002734.5 (MANE Select); coding-DNA position 331, G replaced by A.
Protein change: p.Ala111Thr; replaces alanine 111 with threonine.
Molecular consequence: missense variant.
Genome position (GRCh38, 1-based): chr17:68,522,909, G>A. VCF-style: chr17-68522909-G-A. GRCh37 (hg19) VCF-style: chr17-66519050-G-A.
Other names: c.331G>A, p.Ala111Thr (NM_001276289.2, NM_001276290.1, NM_001278433.2 and 4 more transcripts); short protein forms A111T.
Identifiers: ClinVar variation 579659 (VCV000579659.15), dbSNP rs1472324247, ClinGen allele CA400752487.